The following is an entry in ClinVar:

NM_033004.4(NLRP1):c.2167T>C (p.Tyr723His)

Gene: NLRP1 (NLR family pyrin domain containing 1; minus strand). Cytogenetic location: 17p13.2.
Variant type: single nucleotide variant.
Coding change: c.2167T>C on transcript NM_033004.4 (MANE Select); coding-DNA position 2167, T replaced by C.
Protein change: p.Tyr723His; replaces tyrosine 723 with histidine.
Molecular consequence: missense variant.
Genome position (GRCh38, 1-based): chr17:5,558,529, A>G on the plus strand (T>C on the coding strand, the complement: NLRP1 is on the minus strand). VCF-style: chr17-5558529-A-G. GRCh37 (hg19) VCF-style: chr17-5461849-A-G.
Other names: c.2167T>C, p.Tyr723His (NM_001033053.3, NM_014922.5, NM_033006.4 and 1 more transcripts); short protein forms Y723H.
Identifiers: ClinVar variation 3776173 (VCV003776173.1).
Genomic context (GRCh38, chr17:5,558,529, plus strand): 5'-TGCCCATTTCTTCGAAATGGGCCATCACTTGTGTCAGGAACGTTTTGTTCCGAGTCTCGT[A>G]CAAGCAGTGGAGGGACTCCAGAGAGTGTGGCTGCAGCAGCAGCTGCAGGGACGGGACCCA-3'
Protein context (NP_127497.1, residues 713-733): PHSLESLHCL[Tyr723His]ETRNKTFLTQ

ClinVar aggregate classification (germline): Uncertain significance (1 of 4 stars; one submission).

Conditions:
Autoinflammation with arthritis and dyskeratosis (AIADK). Identifiers: MedGen C4479278, MONDO:0060457, OMIM 617388.

gnomAD v4.1: 1 of 1,613,998 alleles (0.000062%); highest among the groups gnomAD compares: East Asian, 0.0022%; no homozygotes.

Submission:

3billion
Classification: Uncertain significance for Autoinflammation with arthritis and dyskeratosis. Last evaluated: 2023-12-11. Review status: criteria provided, single submitter. Criteria: ACMG Guidelines, 2015. Collection method: clinical testing. Allele origin: germline. Affected: yes.
Comment: The variant is not observed in the gnomAD v2.1.1 dataset. Predicted Consequence/Location: Missense changes are a common disease-causing mechanism. Damaging effect on gene or gene product predicted by in silico programs is uncertain [REVEL: 0.20 (damaging >=0.6, benign <0.4), 3Cnet: 0.39 (damaging >=0.6, benign <0.15)]. Therefore, this variant is classified as VUS according to the recommendation of ACMG/AMP guideline.